The following is an entry in ClinVar:

ClinVar aggregate classification (germline): Uncertain significance. Review status: criteria provided, multiple submitters, no conflicts (2 of 4 stars). 3 submissions from 3 submitters: Uncertain significance (3). Last evaluated 2025-06-09.

Submissions (3):

Labcorp Genetics (formerly Invitae), Labcorp
Classification: Uncertain significance. Last evaluated: 2025-06-09. Review status: criteria provided, single submitter. Criteria: Invitae Variant Classification Sherloc (09022015). Collection method: clinical testing. Allele origin: germline.
Comment: This sequence change replaces alanine, which is neutral and non-polar, with serine, which is neutral and polar, at codon 537 of the ALPK3 protein (p.Ala537Ser). This variant is not present in population databases (gnomAD no frequency). This variant has not been reported in the literature in individuals affected with ALPK3-related conditions. ClinVar contains an entry for this variant (Variation ID: 3370878). An algorithm developed to predict the effect of missense changes on protein structure and function (PolyPhen-2) suggests that this variant is likely to be tolerated. In summary, the available evidence is currently insufficient to determine the role of this variant in disease. Therefore, it has been classified as a Variant of Uncertain Significance.

Women's Health and Genetics/Laboratory Corporation of America, LabCorp
Classification: Uncertain significance. Last evaluated: 2024-12-27. Review status: criteria provided, single submitter. Criteria: LabCorp Variant Classification Summary - May 2015. Collection method: clinical testing. Allele origin: germline.

GeneDx
Classification: Uncertain significance. Last evaluated: 2024-03-13. Review status: criteria provided, single submitter. Criteria: GeneDx Variant Classification Process June 2021. Collection method: clinical testing. Allele origin: germline. Affected: yes.
Comment: Not observed at significant frequency in large population cohorts (gnomAD); In silico analysis supports that this missense variant does not alter protein structure/function; Has not been previously published as pathogenic or benign to our knowledge

NM_020778.5(ALPK3):c.1003G>T (p.Ala335Ser)

Gene: ALPK3 (alpha kinase 3; plus strand). Cytogenetic location: 15q25.3.
Variant type: single nucleotide variant.
Coding change: c.1003G>T on transcript NM_020778.5 (MANE Select); coding-DNA position 1003, G replaced by T.
Protein change: p.Ala335Ser; replaces alanine 335 with serine.
Molecular consequence: missense variant.
Genome position (GRCh38, 1-based): chr15:84,840,282, G>T. VCF-style: chr15-84840282-G-T. GRCh37 (hg19) VCF-style: chr15-85383513-G-T.
Other names: short protein forms A335S.
Identifiers: ClinVar variation 3370878 (VCV003370878.3).